The following is an entry in ClinVar:

ClinVar aggregate classification (germline): Likely pathogenic (1 of 4 stars; one submission).

Conditions:
Merosin deficient congenital muscular dystrophy (MDC1A). Also called: Congenital merosin-deficient muscular dystrophy 1A; Congenital Muscular Dystrophy Type 1A (MDC1A). Identifiers: Orphanet 258, MedGen C1263858, MONDO:0011925, OMIM 607855.

Submission:

3billion
Classification: Likely pathogenic for Merosin deficient congenital muscular dystrophy. Last evaluated: 2021-10-02. Review status: criteria provided, single submitter. Criteria: ACMG Guidelines, 2015. Collection method: clinical testing. Allele origin: maternal. Affected: yes. Observed: 1 heterozygote.
Comment: Inframe deletion located in a nonrepeat region: predicted to change the length of the protein and disrupt normal protein function (PM4). It is not observed in the gnomAD v2.1.1 dataset (PM2). The variant was observed in trans with a pathogenic variant (NM_000426.3: c.2049_2050del) as compound heterozygous (3billion dataset, PM3). Therefore, this variant is classified as likely pathogenic according to the recommendation of ACMG/AMP guideline.

NM_000426.4(LAMA2):c.6714_6722del (p.Arg2239_Gly2241del)

Gene: LAMA2 (laminin subunit alpha 2; plus strand). Cytogenetic location: 6q22.33.
Variant type: Deletion.
Coding change: c.6714_6722del on transcript NM_000426.4 (MANE Select); coding-DNA positions 6714 to 6722, 9 bases deleted (GAGAAATGG; older notation c.6714_6722delGAGAAATGG).
Protein change: p.Arg2239_Gly2241del.
Molecular consequence: inframe deletion.
Genome position (GRCh38, 1-based): chr6:129,456,341-129,456,349, GAGAAATGG deleted; deleting any 9 consecutive bases within chr6:129,456,338-129,456,349 gives the same sequence; the c. name uses the placement nearest the transcript's 3' end. VCF-style (leftmost placement, unchanged base first): chr6-129456337-CTGGGAGAAA-C. GRCh37 (hg19) VCF-style: chr6-129777482-CTGGGAGAAA-C.
Other names: c.6714_6722del, p.Arg2239_Gly2241del (NM_001079823.2).
Identifiers: ClinVar variation 1320075 (VCV001320075.1), dbSNP rs2114794775, ClinGen allele CA2573052579.